The following is an entry in ClinVar:

ClinVar aggregate classification (germline): Uncertain significance (1 of 4 stars; one submission).

Allele frequency attached by ClinVar (database versions not stated): gnomAD 0.00001; TOPMed 0.00001.
gnomAD v4.1: 11 of 1,613,966 alleles (0.00068%); highest among the groups gnomAD compares: Non-Finnish European, 0.00093%; no homozygotes.

Submission:

Labcorp Genetics (formerly Invitae), Labcorp
Classification: Uncertain significance. Last evaluated: 2022-08-20. Review status: criteria provided, single submitter. Criteria: Invitae Variant Classification Sherloc (09022015). Collection method: clinical testing. Allele origin: germline.
Comment: This variant has not been reported in the literature in individuals affected with RFWD3-related conditions. This variant is present in population databases (no rsID available, gnomAD 0.007%). This sequence change falls in intron 5 of the RFWD3 gene. It does not directly change the encoded amino acid sequence of the RFWD3 protein. Algorithms developed to predict the effect of sequence changes on RNA splicing suggest that this variant may create or strengthen a splice site. In summary, the available evidence is currently insufficient to determine the role of this variant in disease. Therefore, it has been classified as a Variant of Uncertain Significance.

NM_018124.4(RFWD3):c.987+11T>G

Gene: RFWD3 (ring finger and WD repeat domain 3; minus strand). Cytogenetic location: 16q23.1.
Variant type: single nucleotide variant.
Coding change: c.987+11T>G on transcript NM_018124.4 (MANE Select); 11 bases into the intron after coding-DNA position 987, T replaced by G.
Molecular consequence: intron variant.
Genome position (GRCh38, 1-based): chr16:74,644,530, A>C on the plus strand (T>G on the coding strand, the complement: RFWD3 is on the minus strand). VCF-style: chr16-74644530-A-C. GRCh37 (hg19) VCF-style: chr16-74678428-A-C.
Other names: c.987+11T>G (NM_001370534.1, NM_001370536.1, NM_001370535.1); c.153+11T>G (NM_001370539.1, NM_001370537.1, NM_001370543.1 and 2 more transcripts).
Identifiers: ClinVar variation 2064829 (VCV002064829.4), dbSNP rs1033531878, ClinGen allele CA283752856.